The following is an entry in ClinVar:

ClinVar aggregate classification (germline): Uncertain significance. Review status: criteria provided, multiple submitters, no conflicts (2 of 4 stars). 2 submissions from 2 submitters: Uncertain significance (2). Last evaluated 2025-05-13.

Conditions:
Glomerulopathy with fibronectin deposits 2 (GFND2). Identifiers: Orphanet 84090, MedGen C1866075, MONDO:0011165, OMIM 601894.

Allele frequency attached by ClinVar (database versions not stated): ExAC 0.00002; ESP Exome Variant Server 0.00008; gnomAD 0.00001; gnomAD exomes 0.00001; TOPMed 0.00001.
gnomAD v4.1: 9 of 1,613,620 alleles (0.00056%); highest among the groups gnomAD compares: East Asian, 0.0045%; no homozygotes.

Submissions (2):

3billion
Classification: Uncertain significance for Glomerulopathy with fibronectin deposits 2. Last evaluated: 2025-05-13. Review status: criteria provided, single submitter. Criteria: ACMG Guidelines, 2015. Collection method: clinical testing. Allele origin: germline. Affected: yes.
Comment: The variant is observed at an extremely low frequency in the gnomAD v4.1.0 dataset (total allele frequency: <0.001%). This disorder is characterized by age-related penetrance (PMID: 18268355). Predicted Consequence/Location: Missense variant. Missense changes are a common disease-causing mechanism. Damaging effect on gene or gene product predicted by in silico programs is uncertain [REVEL: 0.53 (damaging >=0.6, benign <0.4)]. The variant has been reported as of uncertain significance (ClinVar ID: VCV003021123). Therefore, this variant is classified as VUS according to the recommendation of ACMG/AMP guideline.

Labcorp Genetics (formerly Invitae), Labcorp
Classification: Uncertain significance. Last evaluated: 2024-04-29. Review status: criteria provided, single submitter. Criteria: Invitae Variant Classification Sherloc (09022015). Collection method: clinical testing. Allele origin: germline.
Comment: This sequence change replaces glycine, which is neutral and non-polar, with arginine, which is basic and polar, at codon 1710 of the FN1 protein (p.Gly1710Arg). This variant is present in population databases (rs148358406, gnomAD 0.01%). This variant has not been reported in the literature in individuals affected with FN1-related conditions. An algorithm developed to predict the effect of missense changes on protein structure and function (PolyPhen-2) suggests that this variant is likely to be disruptive. In summary, the available evidence is currently insufficient to determine the role of this variant in disease. Therefore, it has been classified as a Variant of Uncertain Significance.

NM_212482.4(FN1):c.5128G>A (p.Gly1710Arg)

Gene: FN1 (fibronectin 1; minus strand). Cytogenetic location: 2q35.
Variant type: single nucleotide variant.
Coding change: c.5128G>A on transcript NM_212482.4 (MANE Select); coding-DNA position 5128, G replaced by A.
Protein change: p.Gly1710Arg; replaces glycine 1710 with arginine.
Molecular consequence: missense variant.
Genome position (GRCh38, 1-based): chr2:215,382,248, C>T on the plus strand (G>A on the coding strand, the complement: FN1 is on the minus strand). VCF-style: chr2-215382248-C-T. GRCh37 (hg19) VCF-style: chr2-216246971-C-T.
Other names: c.5128G>A, p.Gly1710Arg (NM_001306129.2, NM_001306130.2, NM_001365517.2 and 3 more transcripts); c.4855G>A, p.Gly1619Arg (NM_001306131.2, NM_001306132.2, NM_001365518.2 and 7 more transcripts); short protein forms G1710R, G1619R.
Identifiers: ClinVar variation 3021123 (VCV003021123.4), dbSNP rs148358406, ClinGen allele CA2094226.